The following is an entry in ClinVar:

ClinVar aggregate classification (germline): Uncertain significance. Review status: criteria provided, single submitter (1 of 4 stars). 2 submissions from 2 submitters: Uncertain significance (1). 1 of the submissions does not count toward it. Last evaluated 2025-12-11.

Conditions:
Familial hemophagocytic lymphohistiocytosis 2 (FHL2). Also called: PRF1-Related Familial Hemophagocytic Lymphohistiocytosis (PRF1-fHLH). Identifiers: Orphanet 540, MedGen C1863727, MONDO:0011337, OMIM 603553.

Allele frequency attached by ClinVar (database versions not stated): gnomAD exomes below 0.00001.
gnomAD v4.1: 2 of 1,613,838 alleles (0.00012%); highest among the groups gnomAD compares: East Asian, 0.0022%; no homozygotes.

Submissions (2):

Women's Health and Genetics/Laboratory Corporation of America, LabCorp
Classification: Uncertain significance. Last evaluated: 2025-12-11. Review status: criteria provided, single submitter. Criteria: LabCorp Variant Classification Summary - May 2015. Collection method: clinical testing. Allele origin: germline.
Comment: Variant summary: PRF1 c.1286G>A (p.Gly429Glu) results in a non-conservative amino acid change in the encoded protein sequence. Algorithms developed to predict the effect of missense changes on protein structure and function all suggest that this variant is likely to be disruptive. The variant allele was found at a frequency of 4e-06 in 249912 control chromosomes (gnomAD). c.1286G>A has been observed in an individual affected with Familial Hemophagocytic Lymphohistiocytosis (Stepp_1999). These data do not allow any conclusion about variant significance. At least one publication reports experimental evidence evaluating an impact on protein function. The most pronounced variant effect results in 10%-<30% of normal activity (Voskoboinik_2004). The following publications have been ascertained in the context of this evaluation (PMID: 10583959, 15365097). ClinVar contains an entry for this variant (Variation ID: 13712). Based on the evidence outlined above, the variant was classified as VUS-possibly pathogenic.

OMIM
Classification: Pathogenic for HEMOPHAGOCYTIC LYMPHOHISTIOCYTOSIS, FAMILIAL, 2. Last evaluated: 1999-12-03. Review status: no assertion criteria provided. Collection method: literature only. Allele origin: germline. Not counted in ClinVar's aggregate classification.

Literature cited by the submitters: PubMed 10583959 (cited by Women's Health and Genetics/Laboratory Corporation of America, LabCorp and OMIM); PubMed 15365097 (cited by Women's Health and Genetics/Laboratory Corporation of America, LabCorp).

NM_001083116.3(PRF1):c.1286G>A (p.Gly429Glu)

Gene: PRF1 (perforin 1; minus strand). Cytogenetic location: 10q22.1.
Variant type: single nucleotide variant.
Coding change: c.1286G>A on transcript NM_001083116.3 (MANE Select); coding-DNA position 1286, G replaced by A.
Protein change: p.Gly429Glu; replaces glycine 429 with glutamic acid.
Molecular consequence: missense variant.
Genome position (GRCh38, 1-based): chr10:70,598,435, C>T on the plus strand (G>A on the coding strand, the complement: PRF1 is on the minus strand). VCF-style: chr10-70598435-C-T. GRCh37 (hg19) VCF-style: chr10-72358191-C-T.
Other names: c.1286G>A, p.Gly429Glu (NM_005041.6); short protein forms G429E.
Identifiers: ClinVar variation 13712 (VCV000013712.2), dbSNP rs104894181, ClinGen allele CA256943.